The following is an entry in ClinVar:

NM_203447.4(DOCK8):c.4704G>A (p.Glu1568=)

Gene: DOCK8 (dedicator of cytokinesis 8; plus strand). Cytogenetic location: 9p24.3.
Variant type: single nucleotide variant.
Coding change: c.4704G>A on transcript NM_203447.4 (MANE Select); coding-DNA position 4704, G replaced by A.
Protein change: p.Glu1568=; no amino-acid change (glutamic acid 1568 retained).
Molecular consequence: synonymous variant.
Genome position (GRCh38, 1-based): chr9:432,243, G>A. VCF-style: chr9-432243-G-A. GRCh37 (hg19) VCF-style: chr9-432243-G-A.
Other names: p.Glu1568=; c.4404G>A, p.Glu1468= (NM_001190458.2); c.4500G>A, p.Glu1500= (NM_001193536.2); c.4704G>A (NM_203447.3).
Identifiers: ClinVar variation 1142270 (VCV001142270.35), dbSNP rs201433235, ClinGen allele CA4959178.

ClinVar aggregate classification (germline): Likely benign. Review status: criteria provided, multiple submitters, no conflicts (2 of 4 stars). 5 submissions from 5 submitters: Likely benign (4). 1 of the submissions does not count toward it. Last evaluated 2025-12-06.

Conditions:
DOCK8-related disorder. Also called: DOCK8-related condition.
Combined immunodeficiency due to DOCK8 deficiency (HIES2). Also called: HYPER-IgE RECURRENT INFECTION SYNDROME 2, AUTOSOMAL RECESSIVE; HYPER-IgE SYNDROME 2, AUTOSOMAL RECESSIVE, WITH RECURRENT INFECTIONS; HIES autosomal recessive; DOCK8 Deficiency; Hyper-IgE recurrent infection syndrome, autosomal recessive. Identifiers: Orphanet 217390, MedGen C4722305, MONDO:0009478, OMIM 243700.

Allele frequency attached by ClinVar (database versions not stated): gnomAD exomes 0.00008 and 0.00014; ExAC 0.00011; gnomAD 0.00011 and 0.00013; 1000 Genomes Project 30x 0.00016; 1000 Genomes Project 0.00020; TOPMed 0.00023.
gnomAD v4.1: 143 of 1,613,742 alleles (0.0089%); highest among the groups gnomAD compares: Middle Eastern, 0.066%; no homozygotes.

Submissions (5):

Labcorp Genetics (formerly Invitae), Labcorp
Classification: Likely benign for Combined immunodeficiency due to DOCK8 deficiency. Last evaluated: 2025-12-06. Review status: criteria provided, single submitter. Criteria: Invitae Variant Classification Sherloc (09022015). Collection method: clinical testing. Allele origin: germline.

Mayo Clinic Laboratories, Mayo Clinic
Classification: Likely benign. Last evaluated: 2025-01-08. Review status: criteria provided, single submitter. Criteria: ACMG Guidelines, 2015. Collection method: clinical testing. Allele origin: germline. Observed: 1 variant allele.
Comment: BP4, BP7

Blueprint Genetics
Classification: Likely benign. Last evaluated: 2024-10-11. Review status: criteria provided, single submitter. Criteria: ACMG Guidelines, 2015. Collection method: clinical testing. Allele origin: germline.

CeGaT Center for Human Genetics Tuebingen
Classification: Likely benign. Last evaluated: 2022-07-01. Review status: criteria provided, single submitter. Criteria: CeGaT Center For Human Genetics Tuebingen Variant Classification Criteria Version 2. Collection method: clinical testing. Allele origin: germline. Affected: yes. Observed: 1 variant allele.
Comment: DOCK8: BP4, BP7

PreventionGenetics, part of Exact Sciences
Classification: Likely benign for DOCK8-related condition. Last evaluated: 2020-03-13. Review status: no assertion criteria provided. Collection method: clinical testing. Allele origin: germline. Not counted in ClinVar's aggregate classification.
Comment: This variant is classified as likely benign based on ACMG/AMP sequence variant interpretation guidelines (Richards et al. 2015 PMID: 25741868, with internal and published modifications).